The following is an entry in ClinVar:

NM_006929.5(SKIC2):c.2015_2018del (p.Pro672fs)

Gene: SKIC2 (SKI2 subunit of superkiller complex; plus strand). Cytogenetic location: 6p21.33.
Variant type: Deletion.
Coding change: c.2015_2018del on transcript NM_006929.5 (MANE Select); coding-DNA positions 2015 to 2018, 4 bases deleted (CTGC; older notation c.2015_2018delCTGC).
Protein change: p.Pro672fs; shifts the reading frame from proline 672.
Molecular consequence: frameshift variant.
Genome position (GRCh38, 1-based): chr6:31,965,826-31,965,829, CTGC deleted; deleting any 4 consecutive bases within chr6:31,965,823-31,965,829 gives the same sequence; the c. name uses the placement nearest the transcript's 3' end. VCF-style (leftmost placement, unchanged base first): chr6-31965822-ATGCC-A. GRCh37 (hg19) VCF-style: chr6-31933599-ATGCC-A.
Other names: short protein forms P672fs.
Identifiers: ClinVar variation 2821375 (VCV002821375.3), dbSNP rs1772774219, ClinGen allele CA1087493099.

ClinVar aggregate classification (germline): Pathogenic (1 of 4 stars; one submission).

Submission:

Labcorp Genetics (formerly Invitae), Labcorp
Classification: Pathogenic. Last evaluated: 2023-03-13. Review status: criteria provided, single submitter. Criteria: Invitae Variant Classification Sherloc (09022015). Collection method: clinical testing. Allele origin: germline.
Comment: This variant has not been reported in the literature in individuals affected with SKIV2L-related conditions. For these reasons, this variant has been classified as Pathogenic. This variant is not present in population databases (gnomAD no frequency). This sequence change creates a premature translational stop signal (p.Pro672Leufs*4) in the SKIV2L gene. It is expected to result in an absent or disrupted protein product. Loss-of-function variants in SKIV2L are known to be pathogenic (PMID: 22444670).

Literature cited by the submitters: PubMed 22444670.